The following is an entry in ClinVar:

NM_024301.5(FKRP):c.979dup (p.Arg327fs)

Gene: FKRP (fukutin related protein; plus strand). Cytogenetic location: 19q13.32.
Variant type: Duplication.
Coding change: c.979dup on transcript NM_024301.5 (MANE Select); coding-DNA position 979, one base duplicated (C; older notation c.979dupC).
Protein change: p.Arg327fs; shifts the reading frame from arginine 327.
Molecular consequence: frameshift variant.
Genome position (GRCh38, 1-based): chr19:46,756,429, C duplicated; the last of 3 consecutive C bases (chr19:46,756,427-46,756,429); duplicating any one gives the same sequence. VCF-style (leftmost placement, unchanged base first): chr19-46756426-G-GC. GRCh37 (hg19) VCF-style: chr19-47259683-G-GC.
Other names: c.979dup, p.Arg327fs (NM_001039885.3); short protein forms R327fs.
Identifiers: ClinVar variation 1076575 (VCV001076575.9), dbSNP rs2122628653, ClinGen allele CA2499225526.

ClinVar aggregate classification (germline): Pathogenic (1 of 4 stars; one submission).

Conditions:
Walker-Warburg congenital muscular dystrophy. Also called: Muscular dystrophy-dystroglycanopathy, type A; Walker-Warburg syndrome. Identifiers: Orphanet 899, MedGen C0265221, MONDO:0000171.

Submission:

Labcorp Genetics (formerly Invitae), Labcorp
Classification: Pathogenic for Walker-Warburg congenital muscular dystrophy. Last evaluated: 2020-06-30. Review status: criteria provided, single submitter. Criteria: Invitae Variant Classification Sherloc (09022015). Collection method: clinical testing. Allele origin: germline.
Comment: This sequence change results in a premature translational stop signal in the FKRP gene (p.Arg327Profs*63). While this is not anticipated to result in nonsense mediated decay, it is expected to disrupt the last 169 amino acids of the FKRP protein. This variant is not present in population databases (ExAC no frequency). This variant has not been reported in the literature in individuals with FKRP-related conditions. This variant disrupts the C-terminus of the FKRP protein. Other variant(s) that disrupt this region (p.Trp432*) have been determined to be pathogenic (Invitae). This suggests that variants that disrupt this region of the protein are likely to be causative of disease. For these reasons, this variant has been classified as Pathogenic.